The following is an entry in ClinVar:

NM_022489.4(INF2):c.2202G>A (p.Val734=)

Gene: INF2 (inverted formin 2; plus strand). Cytogenetic location: 14q32.33.
Variant type: single nucleotide variant.
Coding change: c.2202G>A on transcript NM_022489.4 (MANE Select); coding-DNA position 2202, G replaced by A.
Protein change: p.Val734=; no amino-acid change (valine 734 retained).
Molecular consequence: synonymous variant.
Genome position (GRCh38, 1-based): chr14:104,710,151, G>A. VCF-style: chr14-104710151-G-A. GRCh37 (hg19) VCF-style: chr14-105176488-G-A.
Other names: c.2202G>A, p.Val734= (NM_001031714.4).
Identifiers: ClinVar variation 540064 (VCV000540064.12), dbSNP rs376146089, ClinGen allele CA7372857.
Genomic context (GRCh38, chr14:104,710,151, plus strand): 5'-CCAGCTGCGAATCGAGTGCATGCTGCTGTGTGAGGGCGCGGCCGCCGTGCTGGACATGGT[G>A]CGGCCCAAGGCCCAGCTGGTGCTGGCTGCCTGCGAAAGTGAGTGGGGCCAAGCGGGGCAC-3'
Protein context (NP_071934.3, residues 724-744): CEGAAAVLDM[Val734=]RPKAQLVLAA

ClinVar aggregate classification (germline): Conflicting classifications of pathogenicity. Review status: criteria provided, conflicting classifications (1 of 4 stars). 2 submissions from 2 submitters: Uncertain significance (1); Likely benign (1). Last evaluated 2025-08-07.

Conditions:
INF2-related disorder. Also called: INF2-related condition.
Focal segmental glomerulosclerosis 5 (FSGS5). Identifiers: Orphanet 656, MedGen C2750475, MONDO:0013191, OMIM 613237.
Charcot-Marie-Tooth disease dominant intermediate E. Also called: CHARCOT-MARIE-TOOTH NEUROPATHY WITH FOCAL SEGMENTAL GLOMERULONEPHRITIS. Identifiers: Orphanet 93114, MedGen C4302667, MONDO:0013758, OMIM 614455.

Allele frequency attached by ClinVar (database versions not stated): gnomAD 0.00009 and 0.00010; gnomAD exomes 0.00019 and 0.00003; ExAC 0.00005; TOPMed 0.00007; ESP Exome Variant Server 0.00008.
gnomAD v4.1: 270 of 1,552,392 alleles (0.017%); highest among the groups gnomAD compares: Non-Finnish European, 0.022%; no homozygotes.

Submissions (2):

PreventionGenetics, part of Exact Sciences
Classification: Uncertain significance for INF2-related condition. Last evaluated: 2025-08-07. Review status: criteria provided, single submitter. Criteria: ACMG Guidelines, 2015. Collection method: clinical testing. Allele origin: germline.
Comment: The INF2 c.2202G>A variant is not predicted to result in an amino acid change (p.=). This variant is predicted to possibly alter splicing based on available splicing prediction programs (SpliceAI, Jaganathan et al. 2019. PubMed ID: 30661751). However, the use of computer prediction programs is not equivalent to functional evidence. To our knowledge, this variant has not been reported in the literature. This variant is reported in 0.0066% of alleles in individuals of European (non-Finnish) descent in gnomAD. Although we suspect that this variant may be benign, at this time, the clinical significance of this variant is uncertain due to the absence of conclusive functional and genetic evidence.

Labcorp Genetics (formerly Invitae), Labcorp
Classification: Likely benign for Charcot-Marie-Tooth disease dominant intermediate E; Focal segmental glomerulosclerosis 5. Last evaluated: 2025-01-26. Review status: criteria provided, single submitter. Criteria: Invitae Variant Classification Sherloc (09022015). Collection method: clinical testing. Allele origin: germline.